The following is an entry in ClinVar:

ClinVar aggregate classification (germline): Uncertain significance (1 of 4 stars; one submission).

Conditions:
Cardiomyopathy (CMYO). Also called: Cardiomyopathies. Identifiers: Orphanet 167848, MedGen C0878544, MONDO:0004994, HP:0001638. Inheritance: Various modes of inheritance.

Submission:

Color Diagnostics, LLC DBA Color Health
Classification: Uncertain significance for Cardiomyopathy. Last evaluated: 2023-12-05. Review status: criteria provided, single submitter. Criteria: ACMG Guidelines, 2015. Collection method: clinical testing. Allele origin: germline.
Comment: Variant of Uncertain Significance due to insufficient evidence: This missense variant replaces cysteine with serine at codon 1124 of the MYBPC3 protein. Computational prediction tools and conservation analyses suggest that this variant may have deleterious impact on the protein function. Computational splicing tools suggest that this variant may not impact RNA splicing. To our knowledge, functional assays have not been performed for this variant nor has this variant been reported in individuals affected with cardiovascular disorders in the literature. This variant is rare in the general population and has been identified in 0/277264 chromosomes by the Genome Aggregation Database (gnomAD). Available evidence is insufficient to determine the role of this variant in disease conclusively.

NM_000256.3(MYBPC3):c.3370T>A (p.Cys1124Ser)

Gene: MYBPC3 (myosin binding protein C3; minus strand). Cytogenetic location: 11p11.2.
Variant type: single nucleotide variant.
Coding change: c.3370T>A on transcript NM_000256.3 (MANE Select); coding-DNA position 3370, T replaced by A.
Protein change: p.Cys1124Ser; replaces cysteine 1124 with serine.
Molecular consequence: missense variant.
Genome position (GRCh38, 1-based): chr11:47,332,934, A>T on the plus strand (T>A on the coding strand, the complement: MYBPC3 is on the minus strand). VCF-style: chr11-47332934-A-T. GRCh37 (hg19) VCF-style: chr11-47354485-A-T.
Other names: short protein forms C1124S.
Identifiers: ClinVar variation 927333 (VCV000927333.5), dbSNP rs1360819456, ClinGen allele CA380313762.